The following is an entry in ClinVar:

NM_001384474.1(LOXHD1):c.3698C>T (p.Thr1233Met)

Gene: LOXHD1 (lipoxygenase homology PLAT domains 1; minus strand). Cytogenetic location: 18q21.1.
Variant type: single nucleotide variant.
Coding change: c.3698C>T on transcript NM_001384474.1 (MANE Select); coding-DNA position 3698, C replaced by T.
Protein change: p.Thr1233Met; replaces threonine 1233 with methionine.
Molecular consequence: missense variant.
Genome position (GRCh38, 1-based): chr18:46,542,777, G>A on the plus strand (C>T on the coding strand, the complement: LOXHD1 is on the minus strand). VCF-style: chr18-46542777-G-A. GRCh37 (hg19) VCF-style: chr18-44122740-G-A.
Other names: c.365C>T, p.Thr122Met (NM_001145472.3); c.77C>T, p.Thr26Met (NM_001308013.2); c.3698C>T, p.Thr1233Met (NM_144612.7); short protein forms T1233M, T122M, T26M.
Identifiers: ClinVar variation 2373097 (VCV002373097.4), dbSNP rs375951379, ClinGen allele CA8952444.
Genomic context (GRCh38, chr18:46,542,777, plus strand): 5'-GAAGCCACACCTGTGTTGTCATGGCCAAGCCGGACTTTCCACAGGTCTCCCAGATCCAGC[G>A]TCTCCACCGTGAAGATTTCAATGCTGTCCCTCTCAAACTTATCGCTGTTTGTCTTGGAGG-3'
Protein context (NP_001371403.1, residues 1223-1243): RDSIEIFTVE[Thr1233Met]LDLGDLWKVR

ClinVar aggregate classification (germline): Uncertain significance. Review status: criteria provided, multiple submitters, no conflicts (2 of 4 stars). 2 submissions from 2 submitters: Uncertain significance (2). Last evaluated 2025-07-01.

Conditions:
Inborn genetic diseases. Identifiers: MedGen C0950123, MeSH D030342.

Allele frequency attached by ClinVar (database versions not stated): gnomAD 0.00002; TOPMed 0.00004; ExAC 0.00013; ESP Exome Variant Server 0.00066.
gnomAD v4.1: 53 of 1,551,526 alleles (0.0034%); highest among the groups gnomAD compares: African/African-American, 0.0068%; no homozygotes.

Submissions (2):

Women's Health and Genetics/Laboratory Corporation of America, LabCorp
Classification: Uncertain significance. Last evaluated: 2025-07-01. Review status: criteria provided, single submitter. Criteria: LabCorp Variant Classification Summary - May 2015. Collection method: clinical testing. Allele origin: germline.
Comment: Variant summary: LOXHD1 c.3698C>T (p.Thr1233Met) results in a non-conservative amino acid change in the encoded protein sequence. Algorithms developed to predict the effect of missense changes on protein structure and function are either unavailable or do not agree on the potential impact of this missense change. The variant allele was found at a frequency of 3.8e-05 in 158614 control chromosomes. The available data on variant occurrences in the general population are insufficient to allow any conclusion about variant significance. To our knowledge, no occurrence of c.3698C>T in individuals affected with Nonsyndromic Hearing Loss And Deafness, Type 77 and no experimental evidence demonstrating its impact on protein function have been reported. ClinVar contains an entry for this variant (Variation ID: 2373097). Based on the evidence outlined above, the variant was classified as uncertain significance.

Ambry Genetics
Classification: Uncertain significance for Inborn genetic diseases. Last evaluated: 2022-03-11. Review status: criteria provided, single submitter. Criteria: Ambry Variant Classification Scheme 2023. Collection method: clinical testing. Allele origin: germline.